The following is an entry in ClinVar:

ClinVar aggregate classification (germline): Uncertain significance. Review status: criteria provided, single submitter (1 of 4 stars). 3 submissions from 3 submitters: Uncertain significance (1). 2 of the submissions do not count toward it. Last evaluated 2025-11-06.

Conditions:
Exudative vitreoretinopathy 1 (EVR1). Also called: CRISWICK-SCHEPENS SYNDROME; FEVR, AUTOSOMAL DOMINANT; Familial exudative vitreoretinopathy, autosomal dominant. Identifiers: Orphanet 891, Orphanet 90050, MedGen C1851402, MONDO:0007589, OMIM 133780.
Retinal dystrophy. Also called: Inherited retinal dystrophy. Identifiers: Orphanet 71862, MedGen C0854723, MeSH D058499, MONDO:0019118, HP:0000556.

Allele frequency attached by ClinVar (database versions not stated): gnomAD below 0.00001 and 0.00003; TOPMed 0.00001; gnomAD exomes 0.00015; 1000 Genomes Project 30x 0.00016; ExAC 0.00016; 1000 Genomes Project 0.00020.
gnomAD v4.1: 100 of 1,605,290 alleles (0.0062%); highest among the groups gnomAD compares: South Asian, 0.11%; 1 homozygote.

Submissions (3):

Labcorp Genetics (formerly Invitae), Labcorp
Classification: Uncertain significance. Last evaluated: 2025-11-06. Review status: criteria provided, single submitter. Criteria: Invitae Variant Classification Sherloc (09022015). Collection method: clinical testing. Allele origin: germline.
Comment: This sequence change replaces threonine, which is neutral and polar, with asparagine, which is neutral and polar, at codon 617 of the ZNF408 protein (p.Thr617Asn). This variant is present in population databases (rs547169524, gnomAD 0.1%). This missense change has been observed in individual(s) with familial exudative vitreoretinopathy (PMID: 27316669). ClinVar contains an entry for this variant (Variation ID: 183059). An algorithm developed to predict the effect of missense changes on protein structure and function (PolyPhen-2) suggests that this variant is likely to be tolerated. In summary, the available evidence is currently insufficient to determine the role of this variant in disease. Therefore, it has been classified as a Variant of Uncertain Significance.

Institute of Human Genetics, Univ. Regensburg, Univ. Regensburg
Classification: Uncertain significance for Retinal dystrophy. Last evaluated: 2022-01-01. Review status: no assertion criteria provided. Criteria: ACMG Guidelines, 2015. Collection method: clinical testing. Allele origin: germline. Affected: yes. Not counted in ClinVar's aggregate classification.

Hyderabad Eye Research Foundation, L V Prasad Eye Institute
Classification: Uncertain significance for adFEVR. Last evaluated: 2015-02-12. Review status: no assertion criteria provided. Collection method: research. Allele origin: germline. Affected: yes. Observed: 1 variant allele. Not counted in ClinVar's aggregate classification.

Literature cited by the submitters: PubMed 27316669 (cited by Labcorp Genetics (formerly Invitae), Labcorp); PubMed 23716654 (cited by Hyderabad Eye Research Foundation, L V Prasad Eye Institute).

NM_024741.3(ZNF408):c.1850C>A (p.Thr617Asn)

Gene: ZNF408 (zinc finger protein 408; plus strand). Cytogenetic location: 11p11.2.
Variant type: single nucleotide variant.
Coding change: c.1850C>A on transcript NM_024741.3 (MANE Select); coding-DNA position 1850, C replaced by A.
Protein change: p.Thr617Asn; replaces threonine 617 with asparagine.
Molecular consequence: missense variant.
Genome position (GRCh38, 1-based): chr11:46,705,550, C>A. VCF-style: chr11-46705550-C-A. GRCh37 (hg19) VCF-style: chr11-46727100-C-A.
Other names: c.1826C>A, p.Thr609Asn (NM_001184751.2); short protein forms T617N, T609N.
Identifiers: ClinVar variation 183059 (VCV000183059.14), dbSNP rs547169524, ClinGen allele CA275955.